The following is an entry in ClinVar:

NM_000458.4(HNF1B):c.1654-22=

Gene: HNF1B (HNF1 homeobox B; minus strand). Cytogenetic location: 17q12.
Variant type: single nucleotide variant.
Coding change: c.1654-22= on transcript NM_000458.4 (MANE Select); 22 bases into the intron before coding-DNA position 1654, no change from the reference sequence.
Molecular consequence: intron variant.
Genome position: GRCh38 VCF-style: chr17-37687414-G-G. GRCh37 (hg19) VCF-style: chr17-36047417-A-G.
Other names: c.1262-22= (NM_001304286.2); c.1576-22= (NM_001165923.4).
Identifiers: ClinVar variation 36843 (VCV000036843.7), dbSNP rs3110641.

ClinVar aggregate classification (germline): Benign. Review status: criteria provided, multiple submitters, no conflicts (2 of 4 stars). 3 submissions from 3 submitters: Benign (3). Last evaluated 2018-06-26.

Conditions:
Renal cysts and diabetes syndrome (RCAD). Also called: MATURITY-ONSET DIABETES OF THE YOUNG, TYPE 5; Familial hypoplastic, glomerulocystic kidney. Identifiers: Orphanet 93111, MedGen C0431693, MONDO:0007669, OMIM 137920.

Allele frequency attached by ClinVar (database versions not stated): gnomAD 0.67990 and 0.67606; TOPMed 0.66856; 1000 Genomes Project 30x 0.64788; gnomAD exomes 0.76200.

Submissions (3):

GeneDx
Classification: Benign. Last evaluated: 2018-06-26. Review status: criteria provided, single submitter. Criteria: GeneDx Variant Classification Process June 2021. Collection method: clinical testing. Allele origin: germline. Affected: yes.

Women's Health and Genetics/Laboratory Corporation of America, LabCorp
Classification: Benign for MODY5. Last evaluated: 2011-08-18. Review status: criteria provided, single submitter. Criteria: LabCorp Variant Classification Summary - May 2015. Collection method: curation, clinical testing. Allele origin: germline. Inheritance: autosomal unknown. Affected: yes.
ClinVar note: Converted during submission from benign to Benign.

Breakthrough Genomics
Classification: Benign. Review status: criteria provided, single submitter. Criteria: ACMG Guidelines, 2015. Collection method: not provided. Allele origin: germline. Inheritance: Autosomal dominant inheritance. Affected: yes.